The following is an entry in ClinVar:

ClinVar aggregate classification (germline): Pathogenic (1 of 4 stars; one submission).

Conditions:
Cystic fibrosis (CF). Also called: MUCOVISCIDOSIS. Identifiers: Orphanet 586, MedGen C0010674, MONDO:0009061, OMIM 219700. Disease mechanism: loss of function.

Submission:

Labcorp Genetics (formerly Invitae), Labcorp
Classification: Pathogenic for Cystic fibrosis. Last evaluated: 2016-12-24. Review status: criteria provided, single submitter. Criteria: Invitae Variant Classification Sherloc (09022015). Collection method: clinical testing. Allele origin: germline.
Comment: This variant is a gross deletion of the genomic region encompassing exons 2-3 of the CFTR gene. This creates a premature translational stop signal and is expected to result in an absent or disrupted protein product. Loss-of-function variants in CFTR are known to be pathogenic. This particular variant has been reported in the literature in several individuals affected with cystic fibrosis (PMID: 10798353, 23775370, 21228398, 20560922, 18683213, 23974870, 23687349). This variant is also known as CFTRdele2,3, CFTRdel2,3, and deletion of introns 1-3 in the literature. For these reasons, this variant has been classified as Pathogenic.

NC_000007.14:g.(?_117504253)_(117509142_?)del

Genes: CFTR (CF transmembrane conductance regulator; plus strand), LOC113664106 (CFTR intron 2 DNase I hypersensitive site; plus strand). Cytogenetic location: 7q31.2.
Variant type: Deletion.
Identifiers: ClinVar variation 417551 (VCV000417551.1).